The following is an entry in ClinVar:

ClinVar aggregate classification (germline): Uncertain significance (1 of 4 stars; one submission).

Conditions:
PTPRQ-related disorder. Also called: PTPRQ-related condition.

gnomAD v4.1: 11 of 1,551,666 alleles (0.00071%); highest among the groups gnomAD compares: Non-Finnish European, 0.00096%; no homozygotes.

Submission:

PreventionGenetics, part of Exact Sciences
Classification: Uncertain significance for PTPRQ-related condition. Last evaluated: 2026-04-12. Review status: criteria provided, single submitter. Criteria: ACMG Guidelines, 2015. Collection method: clinical testing. Allele origin: germline.
Comment: The PTPRQ c.4393A>G variant is predicted to result in the amino acid substitution p.Ile1465Val. To our knowledge, this variant has not been reported in the literature. This variant is reported in 0.0017% of alleles in individuals of European (Non-Finnish) descent in gnomAD. This variant is interpreted as no interpretation set.

NM_001145026.2(PTPRQ):c.4393A>G (p.Ile1465Val)

Gene: PTPRQ (protein tyrosine phosphatase receptor type Q; plus strand). Cytogenetic location: 12q21.31.
Variant type: single nucleotide variant.
Coding change: c.4393A>G on transcript NM_001145026.2 (MANE Select); coding-DNA position 4393, A replaced by G.
Protein change: p.Ile1465Val; replaces isoleucine 1465 with valine.
Molecular consequence: missense variant.
Genome position (GRCh38, 1-based): chr12:80,588,236, A>G. VCF-style: chr12-80588236-A-G. GRCh37 (hg19) VCF-style: chr12-80982015-A-G.
Other names: short protein forms I1465V.
Identifiers: ClinVar variation 5000594 (VCV005000594.1).
Genomic context (GRCh38, chr12:80,588,236, plus strand): 5'-AGTGCAACATTGACATGGATAAGACCTGACACTATCCTTGGCTACTTTCAAAATTACAAA[A>G]TTACCACTCAACTTCGTGCTCAAAAATGCAAAGAATGGGAATCCGAAGAATGTGTTGAAT-3'
Protein context (NP_001138498.1, residues 1455-1475): TILGYFQNYK[Ile1465Val]TTQLRAQKCK